The following is an entry in ClinVar:

NM_001035.3(RYR2):c.8410A>T (p.Thr2804Ser)

Gene: RYR2 (ryanodine receptor 2; plus strand). Cytogenetic location: 1q43.
Variant type: single nucleotide variant.
Coding change: c.8410A>T on transcript NM_001035.3 (MANE Select); coding-DNA position 8410, A replaced by T.
Protein change: p.Thr2804Ser; replaces threonine 2804 with serine.
Molecular consequence: missense variant.
Genome position (GRCh38, 1-based): chr1:237,660,921, A>T. VCF-style: chr1-237660921-A-T. GRCh37 (hg19) VCF-style: chr1-237824221-A-T.
Other names: short protein forms T2804S.
Identifiers: ClinVar variation 927071 (VCV000927071.5), dbSNP rs1192280862, ClinGen allele CA345401973.

ClinVar aggregate classification (germline): Uncertain significance (1 of 4 stars; one submission).

Conditions:
Cardiomyopathy (CMYO). Also called: Cardiomyopathies. Identifiers: Orphanet 167848, MedGen C0878544, MONDO:0004994, HP:0001638. Inheritance: Various modes of inheritance.

Allele frequency attached by ClinVar (database versions not stated): gnomAD exomes below 0.00001 and 0.00001.
gnomAD v4.1: 4 of 1,459,802 alleles (0.00027%); highest among the groups gnomAD compares: Non-Finnish European, 0.00036%; no homozygotes.

Submission:

Color Diagnostics, LLC DBA Color Health
Classification: Uncertain significance for Cardiomyopathy. Last evaluated: 2023-12-04. Review status: criteria provided, single submitter. Criteria: ACMG Guidelines, 2015. Collection method: clinical testing. Allele origin: germline.
Comment: This missense variant replaces threonine with serine at codon 2804 of the RYR2 protein. Computational prediction tools and conservation analyses are inconclusive regarding the impact of this variant on protein structure and function. Splice site prediction tools suggest that this variant may not impact RNA splicing. To our knowledge, functional studies have not been performed for this variant. This variant has not been reported in individuals affected with cardiovascular disorders in the literature. This variant has been identified in 1/126408 chromosomes in the general population by the Genome Aggregation Database (gnomAD). The available evidence is insufficient to determine the role of this variant in disease conclusively. Therefore, this variant is classified as a Variant of Uncertain Significance.